The following is an entry in ClinVar:

NM_016507.4(CDK12):c.1057A>G (p.Met353Val)

Gene: CDK12 (cyclin dependent kinase 12; plus strand). Cytogenetic location: 17q12.
Variant type: single nucleotide variant.
Coding change: c.1057A>G on transcript NM_016507.4 (MANE Select); coding-DNA position 1057, A replaced by G.
Protein change: p.Met353Val; replaces methionine 353 with valine.
Molecular consequence: missense variant.
Genome position (GRCh38, 1-based): chr17:39,470,889, A>G. VCF-style: chr17-39470889-A-G. GRCh37 (hg19) VCF-style: chr17-37627142-A-G.
Other names: c.1057A>G, p.Met353Val (NM_015083.4); short protein forms M353V.
Identifiers: ClinVar variation 3999296 (VCV003999296.1).

ClinVar aggregate classification (germline): Uncertain significance (1 of 4 stars; one submission).

gnomAD v4.1: 7 of 1,598,392 alleles (0.00044%); highest among the groups gnomAD compares: Admixed American, 0.0072%; no homozygotes.

Submission:

Ambry Genetics
Classification: Uncertain significance. Last evaluated: 2025-03-30. Review status: criteria provided, single submitter. Criteria: Ambry Variant Classification Scheme 2023. Collection method: clinical testing. Allele origin: germline.
Comment: The p.M353V variant (also known as c.1057A>G), located in coding exon 2 of the CDK12 gene, results from an A to G substitution at nucleotide position 1057. The methionine at codon 353 is replaced by valine, an amino acid with highly similar properties. This amino acid position is conserved. In addition, this alteration is predicted to be tolerated by in silico analysis. Based on the available evidence, the clinical significance of this variant remains unclear.